The following is an entry in ClinVar:

ClinVar aggregate classification (germline): Conflicting classifications of pathogenicity. Review status: criteria provided, conflicting classifications (1 of 4 stars). 2 submissions from 2 submitters: Uncertain significance (1); Likely benign (1). Last evaluated 2025-09-19.

Conditions:
Hereditary cancer-predisposing syndrome. Also called: Neoplastic Syndromes, Hereditary; Tumor predisposition; Hereditary Cancer Syndrome; Hereditary neoplastic syndrome. Identifiers: Orphanet 140162, MedGen C0027672, MeSH D009386, MONDO:0015356.
Hereditary breast ovarian cancer syndrome. Also called: Hereditary breast and ovarian cancer; BRCA1- and BRCA2-Associated Hereditary Breast and Ovarian Cancer; Hereditary breast and ovarian cancer syndrome; Hereditary breast and ovarian cancer syndrome (HBOC); Breast and ovarian cancer; Hereditary breast and/or ovarian cancer syndrome. Identifiers: Orphanet 145, MedGen C0677776, MeSH D061325, MONDO:0003582. Disease mechanism: loss of function.

Submissions (2):

Ambry Genetics
Classification: Likely benign for Hereditary cancer-predisposing syndrome. Last evaluated: 2025-09-19. Review status: criteria provided, single submitter. Criteria: Ambry Variant Classification Scheme 2023. Collection method: clinical testing. Allele origin: germline.

Labcorp Genetics (formerly Invitae), Labcorp
Classification: Uncertain significance for Hereditary breast ovarian cancer syndrome. Last evaluated: 2023-03-02. Review status: criteria provided, single submitter. Criteria: Invitae Variant Classification Sherloc (09022015). Collection method: clinical testing. Allele origin: germline.
Comment: This sequence change replaces lysine, which is basic and polar, with asparagine, which is neutral and polar, at codon 1777 of the BRCA2 protein (p.Lys1777Asn). This variant is not present in population databases (gnomAD no frequency). This variant has not been reported in the literature in individuals affected with BRCA2-related conditions. Advanced modeling of protein sequence and biophysical properties (such as structural, functional, and spatial information, amino acid conservation, physicochemical variation, residue mobility, and thermodynamic stability) performed at Invitae indicates that this missense variant is not expected to disrupt BRCA2 protein function. In summary, the available evidence is currently insufficient to determine the role of this variant in disease. Therefore, it has been classified as a Variant of Uncertain Significance.

NM_000059.4(BRCA2):c.5331G>T (p.Lys1777Asn)

Gene: BRCA2 (BRCA2 DNA repair associated; plus strand). Cytogenetic location: 13q13.1.
Variant type: single nucleotide variant.
Coding change: c.5331G>T on transcript NM_000059.4 (MANE Select); coding-DNA position 5331, G replaced by T.
Protein change: p.Lys1777Asn; replaces lysine 1777 with asparagine.
Molecular consequence: missense variant. On other transcripts: non-coding transcript variant (1), intron variant (2).
Genome position (GRCh38, 1-based): chr13:32,339,686, G>T. VCF-style: chr13-32339686-G-T. GRCh37 (hg19) VCF-style: chr13-32913823-G-T.
Other names: c.5331G>T, p.Lys1777Asn (NM_001406719.1, NM_001406720.1); c.1910-4872G>T (NM_001406721.1); c.425-4872G>T (NM_001406722.1); short protein forms K1777N.
Identifiers: ClinVar variation 2830100 (VCV002830100.4), dbSNP rs2137516424, ClinGen allele CA387784935.